The following is an entry in ClinVar:

NM_000744.7(CHRNA4):c.619G>A (p.Gly207Ser)

Gene: CHRNA4 (cholinergic receptor nicotinic alpha 4 subunit; minus strand). Cytogenetic location: 20q13.33.
Variant type: single nucleotide variant.
Coding change: c.619G>A on transcript NM_000744.7 (MANE Select); coding-DNA position 619, G replaced by A.
Protein change: p.Gly207Ser; replaces glycine 207 with serine.
Molecular consequence: missense variant. On other transcripts: non-coding transcript variant (1).
Genome position (GRCh38, 1-based): chr20:63,350,792, C>T on the plus strand (G>A on the coding strand, the complement: CHRNA4 is on the minus strand). VCF-style: chr20-63350792-C-T. GRCh37 (hg19) VCF-style: chr20-61982144-C-T.
Other names: c.91G>A, p.Gly31Ser (NM_001256573.2); short protein forms G207S, G31S.
Identifiers: ClinVar variation 3371709 (VCV003371709.1).

ClinVar aggregate classification (germline): Uncertain significance (1 of 4 stars; one submission).

gnomAD v4.1: 1 of 1,613,812 alleles (0.000062%); highest among the groups gnomAD compares: Non-Finnish European, 0.000085%; no homozygotes.

Submission:

GeneDx
Classification: Uncertain significance. Last evaluated: 2024-04-15. Review status: criteria provided, single submitter. Criteria: GeneDx Variant Classification Process June 2021. Collection method: clinical testing. Allele origin: germline. Affected: yes.
Comment: Not observed at significant frequency in large population cohorts (gnomAD); In silico analysis supports that this missense variant has a deleterious effect on protein structure/function; Has not been previously published as pathogenic or benign to our knowledge